The following is an entry in ClinVar:

ClinVar aggregate classification (germline): Uncertain significance. Review status: criteria provided, single submitter (1 of 4 stars). 2 submissions from 2 submitters: Uncertain significance (1). 1 of the submissions does not count toward it. Last evaluated 2023-12-14.

Conditions:
Inborn genetic diseases. Identifiers: MedGen C0950123, MeSH D030342.

Allele frequency attached by ClinVar (database versions not stated): TOPMed below 0.00001; gnomAD exomes below 0.00001.
gnomAD v4.1: 3 of 1,212,330 alleles (0.00025%); highest among the groups gnomAD compares: Non-Finnish European, 0.00033%; no homozygotes.

Submissions (2):

Ambry Genetics
Classification: Uncertain significance for Inborn genetic diseases. Last evaluated: 2023-12-14. Review status: criteria provided, single submitter. Criteria: Ambry Variant Classification Scheme 2023. Collection method: clinical testing. Allele origin: germline.

ITMI
No classification provided. Condition: AllHighlyPenetrant. Last evaluated: 2013-09-19. Review status: no classification provided. Collection method: reference population. Allele origin: germline. Not counted in ClinVar's aggregate classification.
Comment: Please see associated publication for description of ethnicities

Literature cited by the submitters: PubMed 24728327 (cited by ITMI).

NM_001123385.2(BCOR):c.1465C>T (p.Pro489Ser)

Genes: BCOR (BCL6 corepressor; minus strand), LOC126863239 (MED14-independent group 3 enhancer GRCh37_chrX:39932994-39934193; plus strand). Cytogenetic location: Xp11.4.
Variant type: single nucleotide variant.
Coding change: c.1465C>T on transcript NM_001123385.2 (MANE Select); coding-DNA position 1465, C replaced by T.
Protein change: p.Pro489Ser; replaces proline 489 with serine.
Molecular consequence: missense variant.
Genome position (GRCh38, 1-based): chrX:40,073,881, G>A on the plus strand (C>T on the coding strand, the complement: BCOR is on the minus strand). VCF-style: chrX-40073881-G-A. GRCh37 (hg19) VCF-style: chrX-39933134-G-A.
Other names: c.1465C>T, p.Pro489Ser (NM_001123383.2, NM_001123384.2, NM_017745.6); short protein forms P489S.
Identifiers: ClinVar variation 133683 (VCV000133683.2), dbSNP rs587778097, ClinGen allele CA157313.
Genomic context (GRCh38, chrX:40,073,881, plus strand): 5'-AGGATGAGGGAGCAGTGCTGATGATTTCAGATCTATAGATAGCACAACCATTTCCTGGAG[G>A]AGATAGTGTTTCTTTCGGAATCTCACTTCCGGAGAGCACTAAGCCACTTCCAGCCCTGCT-3'
Protein context (NP_001116857.1, residues 479-499): GSEIPKETLS[Pro489Ser]PGNGCAIYRS